The following is an entry in ClinVar:

ClinVar aggregate classification (germline): Uncertain significance. Review status: criteria provided, multiple submitters, no conflicts (2 of 4 stars). 2 submissions from 2 submitters: Uncertain significance (2). Last evaluated 2023-12-15.

Allele frequency attached by ClinVar (database versions not stated): gnomAD exomes 0.00001; ExAC 0.00002.
gnomAD v4.1: 8 of 1,613,748 alleles (0.0005%); highest among the groups gnomAD compares: East Asian, 0.018%; no homozygotes.

Submissions (2):

Labcorp Genetics (formerly Invitae), Labcorp
Classification: Uncertain significance. Last evaluated: 2023-12-15. Review status: criteria provided, single submitter. Criteria: Invitae Variant Classification Sherloc (09022015). Collection method: clinical testing. Allele origin: germline.
Comment: This sequence change replaces leucine, which is neutral and non-polar, with proline, which is neutral and non-polar, at codon 357 of the DLC1 protein (p.Leu357Pro). This variant is present in population databases (rs771409271, gnomAD 0.02%). This variant has not been reported in the literature in individuals affected with DLC1-related conditions. ClinVar contains an entry for this variant (Variation ID: 2480216). An algorithm developed to predict the effect of missense changes on protein structure and function (PolyPhen-2) suggests that this variant is likely to be disruptive. In summary, the available evidence is currently insufficient to determine the role of this variant in disease. Therefore, it has been classified as a Variant of Uncertain Significance.

Ambry Genetics
Classification: Uncertain significance. Last evaluated: 2023-01-31. Review status: criteria provided, single submitter. Criteria: Ambry Variant Classification Scheme 2023. Collection method: clinical testing. Allele origin: germline.

NM_182643.3(DLC1):c.1070T>C (p.Leu357Pro)

Gene: DLC1 (DLC1 Rho GTPase activating protein; minus strand). Cytogenetic location: 8p22.
Variant type: single nucleotide variant.
Coding change: c.1070T>C on transcript NM_182643.3 (MANE Select); coding-DNA position 1070, T replaced by C.
Protein change: p.Leu357Pro; replaces leucine 357 with proline.
Molecular consequence: missense variant. On other transcripts: 5 prime UTR variant (1).
Genome position (GRCh38, 1-based): chr8:13,401,573, A>G on the plus strand (T>C on the coding strand, the complement: DLC1 is on the minus strand). VCF-style: chr8-13401573-A-G. GRCh37 (hg19) VCF-style: chr8-13259082-A-G.
Other names: c.1070T>C, p.Leu357Pro (NM_001348081.2, NM_001413124.1, NM_001413125.1 and 1 more transcripts); c.-382T>C (NM_001348082.2); short protein forms L357P.
Identifiers: ClinVar variation 2480216 (VCV002480216.5), dbSNP rs771409271, ClinGen allele CA4639287.
Genomic context (GRCh38, chr8:13,401,573, plus strand): 5'-GAGCTGGTGCTGAGGGCATTTTCTATGTCCTGATCAAGCTGGTCCAGTTTCATAATCAGC[A>G]GCACCATGGAGTCCAGCCGCGCCCTATCTCGATCTTCTCTTATTTCCTGAGGAACAGAAC-3'
Protein context (NP_872584.2, residues 347-367): RDRARLDSMV[Leu357Pro]LIMKLDQLDQ